The following is an entry in ClinVar:

NM_005216.5(DDOST):c.551+25C>T

Gene: DDOST (dolichyl-diphosphooligosaccharide--protein glycosyltransferase non-catalytic subunit; minus strand). Cytogenetic location: 1p36.12.
Variant type: single nucleotide variant.
Coding change: c.551+25C>T on transcript NM_005216.5 (MANE Select); 25 bases into the intron after coding-DNA position 551, C replaced by T.
Molecular consequence: intron variant.
Genome position (GRCh38, 1-based): chr1:20,655,415, G>A on the plus strand (C>T on the coding strand, the complement: DDOST is on the minus strand). VCF-style: chr1-20655415-G-A. GRCh37 (hg19) VCF-style: chr1-20981908-G-A.
Other names: p.?; c.602+25C>T (NM_005216.4).
Identifiers: ClinVar variation 1316660 (VCV001316660.4), dbSNP rs76266717, ClinGen allele CA661197.
Genomic context (GRCh38, chr1:20,655,415, plus strand): 5'-CAATTTTGCCTTGATTTCCCAAAAAAATTAAGTGACCCCTTCTTCCCCCAGGTTTCTGCT[G>A]TCCTCTCCCTGCTCACTCACTCACCCAACACCTCGAAAGAGGATGGGATTTAGAGATGAT-3'

ClinVar aggregate classification (germline): Likely benign. Review status: criteria provided, multiple submitters, no conflicts (2 of 4 stars). 3 submissions from 3 submitters: Likely benign (3). Last evaluated 2024-11-04.

Allele frequency attached by ClinVar (database versions not stated): 1000 Genomes Project 30x 0.00547; gnomAD 0.00936 and 0.00935; gnomAD exomes 0.01083 and 0.01318; ExAC 0.01127; TOPMed 0.00861; ESP Exome Variant Server 0.01092; 1000 Genomes Project 0.00599.
gnomAD v4.1: 20,121 of 1,572,906 alleles (1.3%); highest among the groups gnomAD compares: South Asian, 1.6%; 158 homozygotes.

Submissions (3):

Mayo Clinic Laboratories, Mayo Clinic
Classification: Likely benign. Last evaluated: 2024-11-04. Review status: criteria provided, single submitter. Criteria: ACMG Guidelines, 2015. Collection method: clinical testing. Allele origin: germline. Observed: 1 variant allele.
Comment: BS1, BS2, BP4, BP7

GeneDx
Classification: Likely benign. Last evaluated: 2018-07-14. Review status: criteria provided, single submitter. Criteria: GeneDx Variant Classification Process June 2021. Collection method: clinical testing. Allele origin: germline. Affected: yes.

Breakthrough Genomics
Classification: Likely benign. Review status: criteria provided, single submitter. Criteria: ACMG Guidelines, 2015. Collection method: not provided. Allele origin: germline. Inheritance: Autosomal recessive inheritance. Affected: yes.